The following is an entry in ClinVar:

ClinVar aggregate classification (germline): Uncertain significance (1 of 4 stars; one submission).

Submission:

CeGaT Center for Human Genetics Tuebingen
Classification: Uncertain significance. Last evaluated: 2024-12-01. Review status: criteria provided, single submitter. Criteria: CeGaT Center For Human Genetics Tuebingen Variant Classification Criteria Version 2. Collection method: clinical testing. Allele origin: germline. Affected: yes. Observed: 1 variant allele.
Comment: SMC1A: PM2, PP2, PP3

NM_006306.4(SMC1A):c.472A>G (p.Ile158Val)

Gene: SMC1A (structural maintenance of chromosomes 1A; minus strand). Cytogenetic location: Xp11.22.
Variant type: single nucleotide variant.
Coding change: c.472A>G on transcript NM_006306.4 (MANE Select); coding-DNA position 472, A replaced by G.
Protein change: p.Ile158Val; replaces isoleucine 158 with valine.
Molecular consequence: missense variant.
Genome position (GRCh38, 1-based): chrX:53,413,375, T>C on the plus strand (A>G on the coding strand, the complement: SMC1A is on the minus strand). VCF-style: chrX-53413375-T-C. GRCh37 (hg19) VCF-style: chrX-53440325-T-C.
Other names: c.406A>G, p.Ile136Val (NM_001281463.1); short protein forms I136V, I158V.
Identifiers: ClinVar variation 3772117 (VCV003772117.13).